The following is an entry in ClinVar:

NM_001173990.3(TMEM216):c.-2G>T

Gene: TMEM216 (transmembrane protein 216; plus strand). Cytogenetic location: 11q12.2.
Variant type: single nucleotide variant.
Coding change: c.-2G>T on transcript NM_001173990.3 (MANE Select); 2 bases upstream of the start codon, G replaced by T.
Molecular consequence: 5 prime UTR variant.
Genome position (GRCh38, 1-based): chr11:61,392,630, G>T. VCF-style: chr11-61392630-G-T. GRCh37 (hg19) VCF-style: chr11-61160102-G-T.
Other names: c.-2G>T (NM_001173991.3); c.-199G>T (NM_001330285.2, NM_016499.6).
Identifiers: ClinVar variation 193188 (VCV000193188.25), dbSNP rs7107543, ClinGen allele CA200392.

ClinVar aggregate classification (germline): Benign. Review status: criteria provided, multiple submitters, no conflicts (2 of 4 stars). 10 submissions from 9 submitters: Benign (9). 1 of the submissions does not count toward it. Last evaluated 2024-11-26.

Conditions:
Meckel syndrome, type 2 (MKS2). Also called: MKS2-Related Meckel Syndrome; MECKEL-GRUBER SYNDROME, TYPE 2. Identifiers: Orphanet 564, MedGen C1864148, MONDO:0011296, OMIM 603194.
Joubert syndrome. Also called: Familial aplasia of the vermis; JOUBERT-BOLTSHAUSER SYNDROME. Identifiers: Orphanet 475, MedGen C5979921, MONDO:0018772.
Joubert syndrome 2 (JBTS2). Also called: CEREBELLOOCULORENAL SYNDROME 2. Identifiers: Orphanet 2318, MedGen C1842577, MONDO:0011963, OMIM 608091.

Allele frequency attached by ClinVar (database versions not stated): ExAC 0.01083; gnomAD exomes 0.01574; gnomAD 0.07479 and 0.08005; 1000 Genomes Project 0.08187; TOPMed 0.08341; 1000 Genomes Project 30x 0.08807.
gnomAD v4.1: 21,497 of 1,535,262 alleles (1.4%); highest among the groups gnomAD compares: African/African-American, 26%; 2,611 homozygotes.

Submissions (10):

Blueprint Genetics
Classification: Benign. Last evaluated: 2024-11-26. Review status: criteria provided, single submitter. Criteria: ACMG Guidelines, 2015. Collection method: clinical testing. Allele origin: germline.

Mayo Clinic Laboratories, Mayo Clinic
Classification: Benign. Last evaluated: 2023-04-03. Review status: criteria provided, single submitter. Criteria: ACMG Guidelines, 2015. Collection method: clinical testing. Allele origin: germline. Observed: 94 variant alleles.

Labcorp Genetics (formerly Invitae), Labcorp
Classification: Benign for Joubert syndrome. Last evaluated: 2022-07-19. Review status: criteria provided, single submitter. Criteria: Invitae Variant Classification Sherloc (09022015). Collection method: clinical testing. Allele origin: germline.

Illumina Laboratory Services, Illumina
Classification: Benign for Meckel syndrome, type 2. Last evaluated: 2018-01-13. Review status: criteria provided, single submitter. Criteria: ICSL Variant Classification Criteria 13 December 2019. Collection method: clinical testing. Allele origin: germline.
Comment: This variant was observed in the ICSL laboratory as part of a predisposition screen in an ostensibly healthy population. It had not been previously curated by ICSL or reported in the Human Gene Mutation Database (HGMD: prior to June 1st, 2018), and was therefore a candidate for classification through an automated scoring system. Utilizing variant allele frequency, disease prevalence and penetrance estimates, and inheritance mode, an automated score was calculated to assess if this variant is too frequent to cause the disease. Based on the score and internal cut-off values, a variant classified as benign is not then subjected to further curation. The score for this variant resulted in a classification of benign for this disease.

Illumina Laboratory Services, Illumina
Classification: Benign for Joubert syndrome 2. Last evaluated: 2018-01-13. Review status: criteria provided, single submitter. Criteria: ICSL Variant Classification Criteria 13 December 2019. Collection method: clinical testing. Allele origin: germline.
Comment: the same text as in the submission from Illumina Laboratory Services, Illumina above.

GeneDx
Classification: Benign. Last evaluated: 2015-03-03. Review status: criteria provided, single submitter. Criteria: GeneDx Variant Classification Process June 2021. Collection method: clinical testing. Allele origin: germline. Affected: yes.

Eurofins Ntd Llc (ga)
Classification: Benign. Last evaluated: 2015-01-26. Review status: criteria provided, single submitter. Criteria: EGL Classification Definitions 2015. Collection method: clinical testing. Allele origin: germline. Observed: 4 variant alleles, 4 heterozygotes.

Breakthrough Genomics
Classification: Benign. Review status: criteria provided, single submitter. Criteria: ACMG Guidelines, 2015. Collection method: not provided. Allele origin: germline. Inheritance: Autosomal recessive inheritance. Affected: yes.

PreventionGenetics, part of Exact Sciences
Classification: Benign. Review status: criteria provided, single submitter. Criteria: ACMG Guidelines, 2015. Collection method: clinical testing. Allele origin: germline.

Natera, Inc.
Classification: Benign for Joubert syndrome type 2. Last evaluated: 2020-09-16. Review status: no assertion criteria provided. Collection method: clinical testing. Allele origin: germline. Not counted in ClinVar's aggregate classification.